The following is an entry in ClinVar:

NM_001355436.2(SPTB):c.4331C>G (p.Ser1444Ter)

Gene: SPTB (spectrin beta, erythrocytic; minus strand). Cytogenetic location: 14q23.3.
Variant type: single nucleotide variant.
Coding change: c.4331C>G on transcript NM_001355436.2 (MANE Select); coding-DNA position 4331, C replaced by G.
Protein change: p.Ser1444Ter; replaces serine 1444 with a stop codon.
Molecular consequence: nonsense.
Genome position (GRCh38, 1-based): chr14:64,779,867, G>C on the plus strand (C>G on the coding strand, the complement: SPTB is on the minus strand). VCF-style: chr14-64779867-G-C. GRCh37 (hg19) VCF-style: chr14-65246585-G-C.
Other names: c.4331C>G, p.Ser1444Ter (NM_001024858.4, NM_001355437.2); short protein forms S1444*.
Identifiers: ClinVar variation 4994225 (VCV004994225.1).

ClinVar aggregate classification (germline): Pathogenic (1 of 4 stars; one submission).

Conditions:
SPTB-related disorder. Also called: SPTB-Related Disorders; SPTB-related condition.

Submission:

PreventionGenetics, part of Exact Sciences
Classification: Pathogenic for SPTB-related condition. Last evaluated: 2026-01-14. Review status: criteria provided, single submitter. Criteria: ACMG Guidelines, 2015. Collection method: clinical testing. Allele origin: germline.
Comment: The SPTB c.4331C>G variant is predicted to result in premature protein termination (p.Ser1444*). To our knowledge, this variant has not been reported in the literature or in a large population database (gnomAD), indicating this variant is rare. Nonsense variants in SPTB are expected to be pathogenic. This variant is interpreted as pathogenic.